The following is an entry in ClinVar:

ClinVar aggregate classification (germline): Uncertain significance (1 of 4 stars; one submission).

Conditions:
Inborn genetic diseases. Identifiers: MedGen C0950123, MeSH D030342.

Submission:

Ambry Genetics
Classification: Uncertain significance for Inborn genetic diseases. Last evaluated: 2025-11-10. Review status: criteria provided, single submitter. Criteria: Ambry Variant Classification Scheme 2023. Collection method: clinical testing. Allele origin: germline.
Comment: The p.S1099Y variant (also known as c.3296C>A), located in coding exon 13 of the ASXL1 gene, results from a C to A substitution at nucleotide position 3296. The serine at codon 1099 is replaced by tyrosine, an amino acid with dissimilar properties. This amino acid position is conserved. In addition, this alteration is predicted to be tolerated by in silico analysis. Based on the available evidence, the clinical significance of this variant remains unclear.

NM_015338.6(ASXL1):c.3296C>A (p.Ser1099Tyr)

Gene: ASXL1 (ASXL transcriptional regulator 1; plus strand). Cytogenetic location: 20q11.21.
Variant type: single nucleotide variant.
Coding change: c.3296C>A on transcript NM_015338.6 (MANE Select); coding-DNA position 3296, C replaced by A.
Protein change: p.Ser1099Tyr; replaces serine 1099 with tyrosine.
Molecular consequence: missense variant.
Genome position (GRCh38, 1-based): chr20:32,436,008, C>A. VCF-style: chr20-32436008-C-A. GRCh37 (hg19) VCF-style: chr20-31023811-C-A.
Other names: c.3113C>A, p.Ser1038Tyr (NM_001363734.1); short protein forms S1099Y, S1038Y.
Identifiers: ClinVar variation 4588508 (VCV004588508.1).
Genomic context (GRCh38, chr20:32,436,008, plus strand): 5'-CCCTACTGCTGGCCAGTACTGAGTACCAGCCAAGAGCCGTGTGCCTGTCCATGCCTGGGT[C>A]CTCAGTGGAGGCCACTAACCCACTTGTGATGCAGTTGCTGCAGGGTAGCTTGCCCCTAGA-3'
Protein context (NP_056153.2, residues 1089-1109): PRAVCLSMPG[Ser1099Tyr]SVEATNPLVM